The following is an entry in ClinVar:

ClinVar aggregate classification (germline): Uncertain significance (1 of 4 stars; one submission).

Conditions:
Familial adenomatous polyposis 1 (FAP1). Also called: FAMILIAL ADENOMATOUS POLYPOSIS 1, ATTENUATED; POLYPOSIS, ADENOMATOUS INTESTINAL. Identifiers: MedGen C2713442, MONDO:0021056, OMIM 175100. Disease mechanism: loss of function.

Submission:

Labcorp Genetics (formerly Invitae), Labcorp
Classification: Uncertain significance for Familial adenomatous polyposis 1. Last evaluated: 2023-10-26. Review status: criteria provided, single submitter. Criteria: Invitae Variant Classification Sherloc (09022015). Collection method: clinical testing. Allele origin: germline.
Comment: This sequence change replaces aspartic acid, which is acidic and polar, with asparagine, which is neutral and polar, at codon 2033 of the APC protein (p.Asp2033Asn). This variant is not present in population databases (gnomAD no frequency). This variant has not been reported in the literature in individuals affected with APC-related conditions. Advanced modeling of protein sequence and biophysical properties (such as structural, functional, and spatial information, amino acid conservation, physicochemical variation, residue mobility, and thermodynamic stability) performed at Invitae indicates that this missense variant is not expected to disrupt APC protein function with a negative predictive value of 95%. In summary, the available evidence is currently insufficient to determine the role of this variant in disease. Therefore, it has been classified as a Variant of Uncertain Significance.

NM_000038.6(APC):c.6097G>A (p.Asp2033Asn)

Gene: APC (APC regulator of Wnt signaling pathway; plus strand). Cytogenetic location: 5q22.2.
Variant type: single nucleotide variant.
Coding change: c.6097G>A on transcript NM_000038.6 (MANE Select); coding-DNA position 6097, G replaced by A.
Protein change: p.Asp2033Asn; replaces aspartic acid 2033 with asparagine.
Molecular consequence: missense variant. On other transcripts: non-coding transcript variant (2).
Genome position (GRCh38, 1-based): chr5:112,841,691, G>A. VCF-style: chr5-112841691-G-A. GRCh37 (hg19) VCF-style: chr5-112177388-G-A.
Other names: c.6097G>A, p.Asp2033Asn (NM_001127510.3, NM_001354895.2, NM_001407450.1); c.6043G>A, p.Asp2015Asn (NM_001127511.3); c.6151G>A, p.Asp2051Asn (NM_001354896.2, NM_001407447.1, NM_001407448.1 and 1 more transcripts); c.6127G>A, p.Asp2043Asn (NM_001354897.2); c.6022G>A, p.Asp2008Asn (NM_001354898.2); c.6013G>A, p.Asp2005Asn (NM_001354899.2); c.5974G>A, p.Asp1992Asn (NM_001354900.2); c.5920G>A, p.Asp1974Asn (NM_001354901.2, NM_001407453.1); and 11 more; short protein forms D1942N, D2008N, D2061N, D1873N, D1950N, D2005N, D2026N, D2033N.
Identifiers: ClinVar variation 2850916 (VCV002850916.3), dbSNP rs2149956906, ClinGen allele CA16034676.